The following is an entry in ClinVar:

NM_030665.4(RAI1):c.3800C>T (p.Pro1267Leu)

Gene: RAI1 (retinoic acid induced 1; plus strand). Cytogenetic location: 17p11.2.
Variant type: single nucleotide variant.
Coding change: c.3800C>T on transcript NM_030665.4 (MANE Select); coding-DNA position 3800, C replaced by T.
Protein change: p.Pro1267Leu; replaces proline 1267 with leucine.
Molecular consequence: missense variant.
Genome position (GRCh38, 1-based): chr17:17,796,748, C>T. VCF-style: chr17-17796748-C-T. GRCh37 (hg19) VCF-style: chr17-17700062-C-T.
Other names: c.3800C>T (NM_030665.3); short protein forms P1267L.
Identifiers: ClinVar variation 2903241 (VCV002903241.5), dbSNP rs1327884634, ClinGen allele CA398554965.

ClinVar aggregate classification (germline): Uncertain significance. Review status: criteria provided, multiple submitters, no conflicts (2 of 4 stars). 3 submissions from 3 submitters: Uncertain significance (3). Last evaluated 2026-07-14.

Conditions:
RAI1-related disorder. Also called: RAI1-related condition.
Inborn genetic diseases. Identifiers: MedGen C0950123, MeSH D030342.

Allele frequency attached by ClinVar (database versions not stated): gnomAD exomes below 0.00001; gnomAD 0.00003; TOPMed 0.00005.
gnomAD v4.1: 6 of 1,613,316 alleles (0.00037%); highest among the groups gnomAD compares: African/African-American, 0.008%; no homozygotes.

Submissions (3):

PreventionGenetics, part of Exact Sciences
Classification: Uncertain significance for RAI1-related condition. Last evaluated: 2026-07-14. Review status: criteria provided, single submitter. Criteria: ACMG Guidelines, 2015. Collection method: clinical testing. Allele origin: germline.
Comment: The RAI1 c.3800C>T variant is predicted to result in the amino acid substitution p.Pro1267Leu. To our knowledge, this variant has not been reported in the literature or in a large population database (gnomAD), indicating this variant is rare. At this time, the clinical significance of this variant is uncertain due to the absence of conclusive functional and genetic evidence.

Ambry Genetics
Classification: Uncertain significance for Inborn genetic diseases. Last evaluated: 2025-03-18. Review status: criteria provided, single submitter. Criteria: Ambry Variant Classification Scheme 2023. Collection method: clinical testing. Allele origin: germline.

Labcorp Genetics (formerly Invitae), Labcorp
Classification: Uncertain significance. Last evaluated: 2024-12-19. Review status: criteria provided, single submitter. Criteria: Invitae Variant Classification Sherloc (09022015). Collection method: clinical testing. Allele origin: germline.
Comment: This sequence change replaces proline, which is neutral and non-polar, with leucine, which is neutral and non-polar, at codon 1267 of the RAI1 protein (p.Pro1267Leu). This variant is not present in population databases (gnomAD no frequency). This variant has not been reported in the literature in individuals affected with RAI1-related conditions. ClinVar contains an entry for this variant (Variation ID: 2903241). Invitae Evidence Modeling of protein sequence and biophysical properties (such as structural, functional, and spatial information, amino acid conservation, physicochemical variation, residue mobility, and thermodynamic stability) indicates that this missense variant is not expected to disrupt RAI1 protein function with a negative predictive value of 80%. In summary, the available evidence is currently insufficient to determine the role of this variant in disease. Therefore, it has been classified as a Variant of Uncertain Significance.